The following is an entry in ClinVar:

NM_017654.4(SAMD9):c.3243T>C (p.Asn1081=)

Gene: SAMD9 (sterile alpha motif domain containing 9; minus strand). Cytogenetic location: 7q21.2.
Variant type: single nucleotide variant.
Coding change: c.3243T>C on transcript NM_017654.4 (MANE Select); coding-DNA position 3243, T replaced by C.
Protein change: p.Asn1081=; no amino-acid change (asparagine 1081 retained).
Molecular consequence: synonymous variant.
Genome position (GRCh38, 1-based): chr7:93,102,855, A>G on the plus strand (T>C on the coding strand, the complement: SAMD9 is on the minus strand). VCF-style: chr7-93102855-A-G. GRCh37 (hg19) VCF-style: chr7-92732168-A-G.
Other names: c.3243T>C, p.Asn1081= (NM_001193307.2).
Identifiers: ClinVar variation 1806541 (VCV001806541.6), dbSNP rs139484963, ClinGen allele CA4342726.

ClinVar aggregate classification (germline): Conflicting classifications of pathogenicity. Review status: criteria provided, conflicting classifications (1 of 4 stars). 4 submissions from 4 submitters: Uncertain significance (1); Likely benign (3). Last evaluated 2025-08-11.

Conditions:
Inborn genetic diseases. Identifiers: MedGen C0950123, MeSH D030342.

Allele frequency attached by ClinVar (database versions not stated): TOPMed 0.00002; ESP Exome Variant Server 0.00008; gnomAD 0.00002; ExAC 0.00002.
gnomAD v4.1: 41 of 1,613,732 alleles (0.0025%); highest among the groups gnomAD compares: Non-Finnish European, 0.0035%; no homozygotes.

Submissions (4):

Labcorp Genetics (formerly Invitae), Labcorp
Classification: Likely benign. Last evaluated: 2025-08-11. Review status: criteria provided, single submitter. Criteria: Invitae Variant Classification Sherloc (09022015). Collection method: clinical testing. Allele origin: germline.

Ambry Genetics
Classification: Likely benign for Inborn genetic diseases. Last evaluated: 2024-12-07. Review status: criteria provided, single submitter. Criteria: Ambry Variant Classification Scheme 2023. Collection method: clinical testing. Allele origin: germline.

ARUP Laboratories, Molecular Genetics and Genomics, ARUP Laboratories
Classification: Likely benign. Last evaluated: 2024-06-18. Review status: criteria provided, single submitter. Criteria: ARUP Molecular Germline Variant Investigation Process 2024. Collection method: clinical testing. Allele origin: germline.

GeneDx
Classification: Uncertain significance. Last evaluated: 2022-06-23. Review status: criteria provided, single submitter. Criteria: GeneDx Variant Classification Process June 2021. Collection method: clinical testing. Allele origin: germline. Affected: yes.
Comment: In silico analysis supports that this variant does not alter splicing; Has not been previously published as pathogenic or benign to our knowledge